The following is an entry in ClinVar:

NM_003500.4(ACOX2):c.324-3C>T

Gene: ACOX2 (acyl-CoA oxidase 2; minus strand). Cytogenetic location: 3p14.3.
Variant type: single nucleotide variant.
Coding change: c.324-3C>T on transcript NM_003500.4 (MANE Select); 3 bases into the intron before coding-DNA position 324, C replaced by T.
Molecular consequence: intron variant.
Genome position (GRCh38, 1-based): chr3:58,534,148, G>A on the plus strand (C>T on the coding strand, the complement: ACOX2 is on the minus strand). VCF-style: chr3-58534148-G-A. GRCh37 (hg19) VCF-style: chr3-58519875-G-A.
Identifiers: ClinVar variation 3032503 (VCV003032503.2), dbSNP rs1577002697, ClinGen allele CA1367692126.

ClinVar aggregate classification (germline): Likely benign (0 of 4 stars; one submission).

Conditions:
ACOX2-related disorder. Also called: ACOX2-related condition.

Allele frequency attached by ClinVar (database versions not stated): gnomAD exomes below 0.00001; TOPMed below 0.00001.
gnomAD v4.1: 2 of 1,614,070 alleles (0.00012%); highest among the groups gnomAD compares: South Asian, 0.0011%; no homozygotes.

Submission:

PreventionGenetics, part of Exact Sciences
Classification: Likely benign for ACOX2-related condition. Last evaluated: 2022-04-20. Review status: no assertion criteria provided. Collection method: clinical testing. Allele origin: germline.
Comment: This variant is classified as likely benign based on ACMG/AMP sequence variant interpretation guidelines (Richards et al. 2015 PMID: 25741868, with internal and published modifications).